The following is an entry in ClinVar:

NM_006904.7(PRKDC):c.2717T>C (p.Phe906Ser)

Gene: PRKDC (protein kinase, DNA-activated, catalytic subunit; minus strand). Cytogenetic location: 8q11.21.
Variant type: single nucleotide variant.
Coding change: c.2717T>C on transcript NM_006904.7 (MANE Select); coding-DNA position 2717, T replaced by C.
Protein change: p.Phe906Ser; replaces phenylalanine 906 with serine.
Molecular consequence: missense variant.
Genome position (GRCh38, 1-based): chr8:47,913,965, A>G on the plus strand (T>C on the coding strand, the complement: PRKDC is on the minus strand). VCF-style: chr8-47913965-A-G. GRCh37 (hg19) VCF-style: chr8-48826525-A-G.
Other names: c.2717T>C, p.Phe906Ser (NM_001081640.2); short protein forms F906S.
Identifiers: ClinVar variation 579006 (VCV000579006.6), dbSNP rs868303619, ClinGen allele CA176160224.

ClinVar aggregate classification (germline): Uncertain significance (1 of 4 stars; one submission).

Conditions:
Severe combined immunodeficiency due to DNA-PKcs deficiency. Also called: IMMUNODEFICIENCY 26 WITH NEUROLOGIC ABNORMALITIES; Immunodeficiency 26 with or without neurologic abnormalities. Identifiers: Orphanet 317425, MedGen C4014833, MONDO:0014423, OMIM 615966.

Allele frequency attached by ClinVar (database versions not stated): gnomAD exomes below 0.00001; TOPMed below 0.00001; gnomAD 0.00001.
gnomAD v4.1: 7 of 1,612,366 alleles (0.00043%); highest among the groups gnomAD compares: African/African-American, 0.004%; no homozygotes.

Submission:

Labcorp Genetics (formerly Invitae), Labcorp
Classification: Uncertain significance for Severe combined immunodeficiency due to DNA-PKcs deficiency. Last evaluated: 2022-08-31. Review status: criteria provided, single submitter. Criteria: Invitae Variant Classification Sherloc (09022015). Collection method: clinical testing. Allele origin: germline.
Comment: This sequence change replaces phenylalanine, which is neutral and non-polar, with serine, which is neutral and polar, at codon 906 of the PRKDC protein (p.Phe906Ser). This variant is present in population databases (no rsID available, gnomAD 0.01%). This variant has not been reported in the literature in individuals affected with PRKDC-related conditions. ClinVar contains an entry for this variant (Variation ID: 579006). In summary, the available evidence is currently insufficient to determine the role of this variant in disease. Therefore, it has been classified as a Variant of Uncertain Significance.